The following is an entry in ClinVar:

ClinVar aggregate classification (germline): Uncertain significance (1 of 4 stars; one submission).

Allele frequency attached by ClinVar (database versions not stated): gnomAD 0.00001; gnomAD exomes 0.00005 and 0.00010; TOPMed 0.00007; ExAC 0.00008; 1000 Genomes Project 0.00020; 1000 Genomes Project 30x 0.00031.
gnomAD v4.1: 32 of 1,614,004 alleles (0.002%); highest among the groups gnomAD compares: Admixed American, 0.05%; no homozygotes.

Submission:

Labcorp Genetics (formerly Invitae), Labcorp
Classification: Uncertain significance. Last evaluated: 2025-09-10. Review status: criteria provided, single submitter. Criteria: Invitae Variant Classification Sherloc (09022015). Collection method: clinical testing. Allele origin: germline.
Comment: This sequence change replaces glycine, which is neutral and non-polar, with serine, which is neutral and polar, at codon 369 of the ADGRA3 protein (p.Gly369Ser). This variant is present in population databases (rs186079507, gnomAD 0.07%), and has an allele count higher than expected for a pathogenic variant. This variant has not been reported in the literature in individuals affected with ADGRA3-related conditions. ClinVar contains an entry for this variant (Variation ID: 1064311). An algorithm developed to predict the effect of missense changes on protein structure and function (PolyPhen-2) suggests that this variant is likely to be disruptive. In summary, the available evidence is currently insufficient to determine the role of this variant in disease. Therefore, it has been classified as a Variant of Uncertain Significance.

NM_145290.4(ADGRA3):c.1105G>A (p.Gly369Ser)

Gene: ADGRA3 (adhesion G protein-coupled receptor A3; minus strand). Cytogenetic location: 4p15.2.
Variant type: single nucleotide variant.
Coding change: c.1105G>A on transcript NM_145290.4 (MANE Select); coding-DNA position 1105, G replaced by A.
Protein change: p.Gly369Ser; replaces glycine 369 with serine.
Molecular consequence: missense variant.
Genome position (GRCh38, 1-based): chr4:22,436,622, C>T on the plus strand (G>A on the coding strand, the complement: ADGRA3 is on the minus strand). VCF-style: chr4-22436622-C-T. GRCh37 (hg19) VCF-style: chr4-22438245-C-T.
Other names: short protein forms G369S.
Identifiers: ClinVar variation 1064311 (VCV001064311.9), dbSNP rs186079507, ClinGen allele CA2874036.